The following is an entry in ClinVar:

ClinVar aggregate classification (germline): Uncertain significance. Review status: criteria provided, multiple submitters, no conflicts (2 of 4 stars). 2 submissions from 2 submitters: Uncertain significance (2). Last evaluated 2022-10-24.

Conditions:
Charcot-Marie-Tooth disease type 4. Also called: Charcot-Marie-Tooth, Type 4; Charcot-Marie-Tooth disease, type IV. Identifiers: Orphanet 64749, MedGen C4082197, MONDO:0018995.
Inborn genetic diseases. Identifiers: MedGen C0950123, MeSH D030342.

Allele frequency attached by ClinVar (database versions not stated): TOPMed below 0.00001; gnomAD 0.00001.
gnomAD v4.1: 10 of 1,613,396 alleles (0.00062%); highest among the groups gnomAD compares: Non-Finnish European, 0.00085%; no homozygotes.

Submissions (2):

Labcorp Genetics (formerly Invitae), Labcorp
Classification: Uncertain significance for Charcot-Marie-Tooth disease type 4. Last evaluated: 2022-10-24. Review status: criteria provided, single submitter. Criteria: Invitae Variant Classification Sherloc (09022015). Collection method: clinical testing. Allele origin: germline.
Comment: Advanced modeling of protein sequence and biophysical properties (such as structural, functional, and spatial information, amino acid conservation, physicochemical variation, residue mobility, and thermodynamic stability) performed at Invitae indicates that this missense variant is not expected to disrupt SBF2 protein function. In summary, the available evidence is currently insufficient to determine the role of this variant in disease. Therefore, it has been classified as a Variant of Uncertain Significance. Algorithms developed to predict the effect of sequence changes on RNA splicing suggest that this variant may disrupt the consensus splice site. This variant has not been reported in the literature in individuals affected with SBF2-related conditions. This variant is present in population databases (no rsID available, gnomAD 0.002%). This sequence change replaces glycine, which is neutral and non-polar, with valine, which is neutral and non-polar, at codon 102 of the SBF2 protein (p.Gly102Val).

Ambry Genetics
Classification: Uncertain significance for Inborn genetic diseases. Last evaluated: 2022-04-25. Review status: criteria provided, single submitter. Criteria: Ambry Variant Classification Scheme 2023. Collection method: clinical testing. Allele origin: germline.
Comment: The p.G102V variant (also known as c.305G>T), located in coding exon 4 of the SBF2 gene, results from a G to T substitution at nucleotide position 305. The glycine at codon 102 is replaced by valine, an amino acid with dissimilar properties. This amino acid position is conserved. In addition, the in silico prediction for this alteration is inconclusive. Since supporting evidence is limited at this time, the clinical significance of this alteration remains unclear.

NM_030962.4(SBF2):c.305G>T (p.Gly102Val)

Gene: SBF2 (SET binding factor 2; minus strand). Cytogenetic location: 11p15.4.
Variant type: single nucleotide variant.
Coding change: c.305G>T on transcript NM_030962.4 (MANE Select); coding-DNA position 305, G replaced by T.
Protein change: p.Gly102Val; replaces glycine 102 with valine.
Molecular consequence: missense variant.
Genome position (GRCh38, 1-based): chr11:10,031,145, C>A on the plus strand (G>T on the coding strand, the complement: SBF2 is on the minus strand). VCF-style: chr11-10031145-C-A. GRCh37 (hg19) VCF-style: chr11-10052692-C-A.
Other names: c.305G>T, p.Gly102Val (NM_001386339.1, NM_001386342.1); short protein forms G102V.
Identifiers: ClinVar variation 1799356 (VCV001799356.5), dbSNP rs1208884081, ClinGen allele CA379646729.